The following is an entry in ClinVar:

ClinVar aggregate classification (germline): Uncertain significance. Review status: criteria provided, multiple submitters, no conflicts (2 of 4 stars). 5 submissions from 5 submitters: Uncertain significance (5). Last evaluated 2026-03-31.

Conditions:
Bone osteosarcoma. Also called: Osteosarcoma, somatic. Identifiers: Orphanet 668, MedGen C0585442, MONDO:0002629, OMIM 259500.
Small cell lung carcinoma. Also called: Small cell lung cancer; SMALL CELL CANCER OF THE LUNG, SOMATIC; Lung oat cell carcinoma. Identifiers: Orphanet 70573, MedGen C0149925, MeSH D055752, MONDO:0008433, OMIM 182280, HP:0030357.
Retinoblastoma (RB1). Also called: RETINOBLASTOMA, SOMATIC. Identifiers: Orphanet 790, MedGen C0035335, MeSH D012175, MONDO:0008380, OMIM 180200, HP:0009919. Disease mechanism: loss of function. Inheritance: Both sporadic and heritable forms are tested..
Malignant tumor of urinary bladder. Also called: Urinary bladder cancer; Bladder cancer; Urinary Bladder Neoplasms. Identifiers: MedGen C0005684, MONDO:0001187, OMIM 109800.
Hereditary cancer-predisposing syndrome. Also called: Neoplastic Syndromes, Hereditary; Tumor predisposition; Hereditary Cancer Syndrome; Hereditary neoplastic syndrome. Identifiers: Orphanet 140162, MedGen C0027672, MeSH D009386, MONDO:0015356.

gnomAD v4.1: 1 of 1,611,942 alleles (0.000062%); no homozygotes.

Submissions (5):

GeneDx
Classification: Uncertain significance. Last evaluated: 2026-03-31. Review status: criteria provided, single submitter. Criteria: GeneDx Variant Classification Process June 2021. Collection method: clinical testing. Allele origin: germline.
Comment: Not observed at significant frequency in large population cohorts (gnomAD); In silico analysis supports that this missense variant has a deleterious effect on protein structure/function; Has not been previously published as pathogenic or benign to our knowledge; This variant is associated with the following publications: (PMID: 23516486)

Labcorp Genetics (formerly Invitae), Labcorp
Classification: Uncertain significance for Retinoblastoma. Last evaluated: 2025-07-27. Review status: criteria provided, single submitter. Criteria: Invitae Variant Classification Sherloc (09022015). Collection method: clinical testing. Allele origin: germline.
Comment: This sequence change replaces serine, which is neutral and polar, with phenylalanine, which is neutral and non-polar, at codon 459 of the RB1 protein (p.Ser459Phe). This variant is not present in population databases (gnomAD no frequency). This variant has not been reported in the literature in individuals affected with RB1-related conditions. ClinVar contains an entry for this variant (Variation ID: 664716). Invitae Evidence Modeling of protein sequence and biophysical properties (such as structural, functional, and spatial information, amino acid conservation, physicochemical variation, residue mobility, and thermodynamic stability) has been performed for this missense variant. However, the output from this modeling did not meet the statistical confidence thresholds required to predict the impact of this variant on RB1 protein function. In summary, the available evidence is currently insufficient to determine the role of this variant in disease. Therefore, it has been classified as a Variant of Uncertain Significance.

Ambry Genetics
Classification: Uncertain significance for Hereditary cancer-predisposing syndrome. Last evaluated: 2024-04-30. Review status: criteria provided, single submitter. Criteria: Ambry Variant Classification Scheme 2023. Collection method: clinical testing. Allele origin: germline.
Comment: The p.S459F variant (also known as c.1376C>T), located in coding exon 14 of the RB1 gene, results from a C to T substitution at nucleotide position 1376. The serine at codon 459 is replaced by phenylalanine, an amino acid with highly dissimilar properties. This amino acid position is well conserved in available vertebrate species. In addition, the in silico prediction for this alteration is inconclusive. Based on the available evidence, the clinical significance of this variant remains unclear.

All of Us Research Program, National Institutes of Health
Classification: Uncertain significance for Retinoblastoma. Last evaluated: 2023-04-27. Review status: criteria provided, single submitter. Criteria: ACMG Guidelines, 2015. Collection method: clinical testing. Allele origin: germline. Inheritance: Autosomal dominant inheritance. Observed: 1 variant allele, 1 heterozygote.
Comment: This study involves interpretation of variants in research participants for the purpose of population health screening. Participant phenotype was not available at the time of variant classification. Additional details can be found in publication PMID: 35346344, PMCID: PMC8962531

Fulgent Genetics
Classification: Uncertain significance for Malignant tumor of urinary bladder; Retinoblastoma; Small cell lung carcinoma; Bone osteosarcoma. Last evaluated: 2022-05-24. Review status: criteria provided, single submitter. Criteria: ACMG Guidelines, 2015. Collection method: clinical testing. Allele origin: unknown.

NM_000321.3(RB1):c.1376C>T (p.Ser459Phe)

Gene: RB1 (RB transcriptional corepressor 1; plus strand). Cytogenetic location: 13q14.2.
Variant type: single nucleotide variant.
Coding change: c.1376C>T on transcript NM_000321.3 (MANE Select); coding-DNA position 1376, C replaced by T.
Protein change: p.Ser459Phe; replaces serine 459 with phenylalanine.
Molecular consequence: missense variant.
Genome position (GRCh38, 1-based): chr13:48,379,637, C>T. VCF-style: chr13-48379637-C-T. GRCh37 (hg19) VCF-style: chr13-48953773-C-T.
Other names: short protein forms S459F.
Identifiers: ClinVar variation 664716 (VCV000664716.15), dbSNP rs1593455667, ClinGen allele CA388162625.